The following is an entry in ClinVar:

NM_201525.4(ADGRG1):c.-35-8529C>A

Gene: ADGRG1 (adhesion G protein-coupled receptor G1; plus strand). Cytogenetic location: 16q21.
Variant type: single nucleotide variant.
Coding change: c.-35-8529C>A on transcript NM_201525.4 (MANE Select); 8529 bases into the intron before 35 bases upstream of the start codon, C replaced by A.
Molecular consequence: intron variant.
Genome position (GRCh38, 1-based): chr16:57,641,724, C>A. VCF-style: chr16-57641724-C-A. GRCh37 (hg19) VCF-style: chr16-57675636-C-A.
Other names: c.-36+16C>A (NM_001370440.1, NM_001370428.1, NM_001370436.1 and 11 more transcripts); c.-518+16C>A (NM_001370451.1); c.-35-8529C>A (NM_001370430.1, NM_001370438.1, NM_001370435.1 and 6 more transcripts); c.-517-8529C>A (NM_001290143.2); c.-602+16C>A (NM_001370453.1); c.-415+16C>A (NM_001370454.1); c.-518+2054C>A (NM_001290144.2).
Identifiers: ClinVar variation 511044 (VCV000511044.1), dbSNP rs771148084, ClinGen allele CA281568084.

ClinVar aggregate classification (germline): Likely benign (1 of 4 stars; one submission).

Allele frequency attached by ClinVar (database versions not stated): gnomAD exomes 0.00002; gnomAD 0.00010 and 0.00012; TOPMed 0.00022.
gnomAD v4.1: 19 of 196,800 alleles (0.0097%); highest among the groups gnomAD compares: Middle Eastern, 0.25%; no homozygotes.

Submission:

GeneDx
Classification: Likely benign. Last evaluated: 2017-07-25. Review status: criteria provided, single submitter. Criteria: GeneDx Variant Classification (06012015). Collection method: clinical testing. Allele origin: germline. Affected: yes.
Comment: This variant is considered likely benign or benign based on one or more of the following criteria: it is a conservative change, it occurs at a poorly conserved position in the protein, it is predicted to be benign by multiple in silico algorithms, and/or has population frequency not consistent with disease.